The following is an entry in ClinVar:

NM_000018.4(ACADVL):c.992A>C (p.Lys331Thr)

Gene: ACADVL (acyl-CoA dehydrogenase very long chain; plus strand). Cytogenetic location: 17p13.1.
Variant type: single nucleotide variant.
Coding change: c.992A>C on transcript NM_000018.4 (MANE Select); coding-DNA position 992, A replaced by C.
Protein change: p.Lys331Thr; replaces lysine 331 with threonine.
Molecular consequence: missense variant.
Genome position (GRCh38, 1-based): chr17:7,222,780, A>C. VCF-style: chr17-7222780-A-C. GRCh37 (hg19) VCF-style: chr17-7126099-A-C.
Other names: c.926A>C, p.Lys309Thr (NM_001033859.3); c.1061A>C, p.Lys354Thr (NM_001270447.2); c.764A>C, p.Lys255Thr (NM_001270448.2); c.992A>C (NM_000018.2); short protein forms K331T, K255T, K309T, K354T.
Identifiers: ClinVar variation 166644 (VCV000166644.22), dbSNP rs727503792, ClinGen allele CA233432.

ClinVar aggregate classification (germline): Uncertain significance. Review status: criteria provided, multiple submitters, no conflicts (2 of 4 stars). 4 submissions from 4 submitters: Uncertain significance (3). 1 of the submissions does not count toward it. Last evaluated 2024-05-21.

Conditions:
Inborn genetic diseases. Identifiers: MedGen C0950123, MeSH D030342.
Very long chain acyl-CoA dehydrogenase deficiency (ACADVLD). Also called: VLCAD Deficiency; Very Long-Chain Acyl-Coenzyme A Dehydrogenase Deficiency. Identifiers: Orphanet 26793, MedGen C3887523, MONDO:0008723, OMIM 201475.

Allele frequency attached by ClinVar (database versions not stated): ExAC 0.00001; gnomAD 0.00003; TOPMed 0.00002.
gnomAD v4.1: 7 of 1,613,934 alleles (0.00043%); highest among the groups gnomAD compares: African/African-American, 0.0027%; no homozygotes.

Submissions (4):

Ambry Genetics
Classification: Uncertain significance for Inborn genetic diseases. Last evaluated: 2024-05-21. Review status: criteria provided, single submitter. Criteria: Ambry Variant Classification Scheme 2023. Collection method: clinical testing. Allele origin: germline.
Comment: The p.K331T variant (also known as c.992A>C), located in coding exon 10 of the ACADVL gene, results from an A to C substitution at nucleotide position 992. The lysine at codon 331 is replaced by threonine, an amino acid with similar properties. This amino acid position is conserved. In addition, this alteration is predicted to be deleterious by in silico analysis. Based on the available evidence, the clinical significance of this variant remains unclear.

Labcorp Genetics (formerly Invitae), Labcorp
Classification: Uncertain significance for Very long chain acyl-CoA dehydrogenase deficiency. Last evaluated: 2022-02-08. Review status: criteria provided, single submitter. Criteria: Invitae Variant Classification Sherloc (09022015). Collection method: clinical testing. Allele origin: germline.
Comment: This sequence change replaces lysine, which is basic and polar, with threonine, which is neutral and polar, at codon 331 of the ACADVL protein (p.Lys331Thr). This variant is present in population databases (rs727503792, gnomAD 0.004%). This variant has not been reported in the literature in individuals affected with ACADVL-related conditions. ClinVar contains an entry for this variant (Variation ID: 166644). Algorithms developed to predict the effect of missense changes on protein structure and function (SIFT, PolyPhen-2, Align-GVGD) all suggest that this variant is likely to be disruptive. In summary, the available evidence is currently insufficient to determine the role of this variant in disease. Therefore, it has been classified as a Variant of Uncertain Significance.

Eurofins Ntd Llc (ga)
Classification: Uncertain significance. Last evaluated: 2014-04-14. Review status: criteria provided, single submitter. Criteria: EGL Classification Definitions 2015. Collection method: clinical testing. Allele origin: germline. Observed: 1 variant allele, 1 heterozygote.

Natera, Inc.
Classification: Uncertain significance for Very long chain acyl-CoA dehydrogenase deficiency. Last evaluated: 2021-02-10. Review status: no assertion criteria provided. Collection method: clinical testing. Allele origin: germline. Not counted in ClinVar's aggregate classification.